The following is an entry in ClinVar:

NM_145290.4(ADGRA3):c.1679T>G (p.Phe560Cys)

Gene: ADGRA3 (adhesion G protein-coupled receptor A3; minus strand). Cytogenetic location: 4p15.2.
Variant type: single nucleotide variant.
Coding change: c.1679T>G on transcript NM_145290.4 (MANE Select); coding-DNA position 1679, T replaced by G.
Protein change: p.Phe560Cys; replaces phenylalanine 560 with cysteine.
Molecular consequence: missense variant.
Genome position (GRCh38, 1-based): chr4:22,421,016, A>C on the plus strand (T>G on the coding strand, the complement: ADGRA3 is on the minus strand). VCF-style: chr4-22421016-A-C. GRCh37 (hg19) VCF-style: chr4-22422639-A-C.
Other names: short protein forms F560C.
Identifiers: ClinVar variation 2106886 (VCV002106886.4), dbSNP rs2474747627, ClinGen allele CA356480975.

ClinVar aggregate classification (germline): Uncertain significance (1 of 4 stars; one submission).

Submission:

Labcorp Genetics (formerly Invitae), Labcorp
Classification: Uncertain significance. Last evaluated: 2022-03-04. Review status: criteria provided, single submitter. Criteria: Invitae Variant Classification Sherloc (09022015). Collection method: clinical testing. Allele origin: germline.
Comment: This sequence change replaces phenylalanine, which is neutral and non-polar, with cysteine, which is neutral and slightly polar, at codon 560 of the ADGRA3 protein (p.Phe560Cys). This variant is not present in population databases (gnomAD no frequency). This variant has not been reported in the literature in individuals affected with ADGRA3-related conditions. Algorithms developed to predict the effect of missense changes on protein structure and function are either unavailable or do not agree on the potential impact of this missense change (SIFT: "Deleterious"; PolyPhen-2: "Possibly Damaging"; Align-GVGD: "Class C0"). In summary, the available evidence is currently insufficient to determine the role of this variant in disease. Therefore, it has been classified as a Variant of Uncertain Significance.